The following is an entry in ClinVar:

ClinVar aggregate classification (germline): Uncertain significance (1 of 4 stars; one submission).

Submission:

Labcorp Genetics (formerly Invitae), Labcorp
Classification: Uncertain significance. Last evaluated: 2022-02-04. Review status: criteria provided, single submitter. Criteria: Invitae Variant Classification Sherloc (09022015). Collection method: clinical testing. Allele origin: germline.
Comment: This variant is a gross deletion of the genomic region encompassing exon(s) 11 of the ACBD5 gene. This variant would be expected to be in-frame, preserving the integrity of the reading frame. This variant has not been reported in the literature in individuals affected with ACBD5-related conditions. Experimental studies and prediction algorithms are not available or were not evaluated, and the functional significance of this variant is currently unknown. In summary, the available evidence is currently insufficient to determine the role of this variant in disease. Therefore, it has been classified as a Variant of Uncertain Significance.

NC_000010.10:g.(?_27494107)_(27494197_?)del

Gene: ACBD5 (acyl-CoA binding domain containing 5; minus strand). Cytogenetic location: 10p12.1.
Variant type: Deletion.
Identifiers: ClinVar variation 1052628 (VCV001052628.5).